The following is an entry in ClinVar:

NM_000321.3(RB1):c.1753C>T (p.His585Tyr)

Gene: RB1 (RB transcriptional corepressor 1; plus strand). Cytogenetic location: 13q14.2.
Variant type: single nucleotide variant.
Coding change: c.1753C>T on transcript NM_000321.3 (MANE Select); coding-DNA position 1753, C replaced by T.
Protein change: p.His585Tyr; replaces histidine 585 with tyrosine.
Molecular consequence: missense variant.
Genome position (GRCh38, 1-based): chr13:48,453,050, C>T. VCF-style: chr13-48453050-C-T. GRCh37 (hg19) VCF-style: chr13-49027186-C-T.
Other names: short protein forms H585Y.
Identifiers: ClinVar variation 943445 (VCV000943445.11), dbSNP rs1401332173, ClinGen allele CA388165541.

ClinVar aggregate classification (germline): Uncertain significance. Review status: criteria provided, multiple submitters, no conflicts (2 of 4 stars). 3 submissions from 3 submitters: Uncertain significance (3). Last evaluated 2025-10-25.

Conditions:
Hereditary cancer-predisposing syndrome. Also called: Neoplastic Syndromes, Hereditary; Hereditary Cancer Syndrome; Tumor predisposition; Hereditary neoplastic syndrome. Identifiers: Orphanet 140162, MedGen C0027672, MeSH D009386, MONDO:0015356.
Retinoblastoma (RB1). Also called: RETINOBLASTOMA, SOMATIC. Identifiers: Orphanet 790, MedGen C0035335, MeSH D012175, MONDO:0008380, OMIM 180200, HP:0009919. Disease mechanism: loss of function. Inheritance: Both sporadic and heritable forms are tested..

Allele frequency attached by ClinVar (database versions not stated): gnomAD exomes below 0.00001.
gnomAD v4.1: 6 of 1,613,264 alleles (0.00037%); highest among the groups gnomAD compares: Admixed American, 0.0017%; no homozygotes.

Submissions (3):

Labcorp Genetics (formerly Invitae), Labcorp
Classification: Uncertain significance for Retinoblastoma. Last evaluated: 2025-10-25. Review status: criteria provided, single submitter. Criteria: Invitae Variant Classification Sherloc (09022015). Collection method: clinical testing. Allele origin: germline.
Comment: This sequence change replaces histidine, which is basic and polar, with tyrosine, which is neutral and polar, at codon 585 of the RB1 protein (p.His585Tyr). This variant is present in population databases (no rsID available, gnomAD no frequency). This missense change has been observed in individual(s) with retinoblastoma (PMID: 12541220). ClinVar contains an entry for this variant (Variation ID: 943445). Invitae Evidence Modeling of protein sequence and biophysical properties (such as structural, functional, and spatial information, amino acid conservation, physicochemical variation, residue mobility, and thermodynamic stability) indicates that this missense variant is not expected to disrupt RB1 protein function with a negative predictive value of 80%. Experimental studies have shown that this missense change affects RB1 function (PMID: 39938803). In summary, the available evidence is currently insufficient to determine the role of this variant in disease. Therefore, it has been classified as a Variant of Uncertain Significance.

Ambry Genetics
Classification: Uncertain significance for Hereditary cancer-predisposing syndrome. Last evaluated: 2024-05-29. Review status: criteria provided, single submitter. Criteria: Ambry Variant Classification Scheme 2023. Collection method: clinical testing. Allele origin: germline.
Comment: The p.H585Y variant (also known as c.1753C>T), located in coding exon 18 of the RB1 gene, results from a C to T substitution at nucleotide position 1753. The histidine at codon 585 is replaced by tyrosine, an amino acid with similar properties. This amino acid position is well conserved in available vertebrate species. In addition, this alteration is predicted to be deleterious by in silico analysis. Since supporting evidence is limited at this time, the clinical significance of this alteration remains unclear.

Mendelics
Classification: Uncertain significance. Last evaluated: 2022-05-04. Review status: criteria provided, single submitter. Criteria: Mendelics Assertion Criteria 2019. Collection method: clinical testing. Allele origin: germline.

Literature cited by the submitters: PubMed 12541220 (cited by Labcorp Genetics (formerly Invitae), Labcorp and Ambry Genetics); PubMed 39938803 (cited by Labcorp Genetics (formerly Invitae), Labcorp).